The following is an entry in ClinVar:

ClinVar aggregate classification (germline): Uncertain significance (1 of 4 stars; one submission).

Submission:

Labcorp Genetics (formerly Invitae), Labcorp
Classification: Uncertain significance. Last evaluated: 2021-11-02. Review status: criteria provided, single submitter. Criteria: Invitae Variant Classification Sherloc (09022015). Collection method: clinical testing. Allele origin: germline.
Comment: This variant has not been reported in the literature in individuals affected with CYP4F22-related conditions. This sequence change replaces serine, which is neutral and polar, with arginine, which is basic and polar, at codon 237 of the CYP4F22 protein (p.Ser237Arg). This variant is not present in population databases (gnomAD no frequency). Algorithms developed to predict the effect of missense changes on protein structure and function (SIFT, PolyPhen-2, Align-GVGD) all suggest that this variant is likely to be disruptive. In summary, the available evidence is currently insufficient to determine the role of this variant in disease. Therefore, it has been classified as a Variant of Uncertain Significance.

NM_173483.4(CYP4F22):c.711C>G (p.Ser237Arg)

Gene: CYP4F22 (cytochrome P450 family 4 subfamily F member 22; plus strand). Cytogenetic location: 19p13.12.
Variant type: single nucleotide variant.
Coding change: c.711C>G on transcript NM_173483.4 (MANE Select); coding-DNA position 711, C replaced by G.
Protein change: p.Ser237Arg; replaces serine 237 with arginine.
Molecular consequence: missense variant.
Genome position (GRCh38, 1-based): chr19:15,540,489, C>G. VCF-style: chr19-15540489-C-G. GRCh37 (hg19) VCF-style: chr19-15651300-C-G.
Other names: short protein forms S237R.
Identifiers: ClinVar variation 1369715 (VCV001369715.6), dbSNP rs146904240, ClinGen allele CA404535496.